The following is an entry in ClinVar:

NM_004360.5(CDH1):c.833-15C>T

Gene: CDH1 (cadherin 1; plus strand). Cytogenetic location: 16q22.1.
Variant type: single nucleotide variant.
Coding change: c.833-15C>T on transcript NM_004360.5 (MANE Select); 15 bases into the intron before coding-DNA position 833, C replaced by T.
Molecular consequence: intron variant.
Genome position (GRCh38, 1-based): chr16:68,811,669, C>T. VCF-style: chr16-68811669-C-T. GRCh37 (hg19) VCF-style: chr16-68845572-C-T.
Other names: c.833-15C>T (NM_001317184.2); c.-783-15C>T (NM_001317185.2); c.-987-15C>T (NM_001317186.2).
Identifiers: ClinVar variation 3378803 (VCV003378803.1).
Genomic context (GRCh38, chr16:68,811,669, plus strand): 5'-GAATTGGATTAAGCAGTATTGACCCAGTCCCAAAGTGCAGCTTGTCTAAACCTTCATCTC[C>T]TTGAACTCTTCCAGGAACCTCTGTGATGGAGGTCACAGCCACAGACGCGGACGATGATGT-3'

ClinVar aggregate classification (germline): Likely benign (1 of 4 stars; one submission).

Conditions:
Hereditary diffuse gastric adenocarcinoma (HDGC). Also called: DIFFUSE GASTRIC AND LOBULAR BREAST CANCER SYNDROME. Identifiers: Orphanet 26106, MedGen C1708349, MONDO:0007648, OMIM 137215.

Submission:

Myriad Genetics, Inc.
Classification: Likely benign for Hereditary diffuse gastric adenocarcinoma. Last evaluated: 2024-09-16. Review status: criteria provided, single submitter. Criteria: Myriad Autosomal Dominant, Autosomal Recessive and X-Linked Classification Criteria (2023). Collection method: clinical testing. Allele origin: unknown.
Comment: This variant is considered likely benign. This variant is intronic and is not expected to impact mRNA splicing.